The following is an entry in ClinVar:

ClinVar aggregate classification (germline): Conflicting classifications of pathogenicity. Review status: criteria provided, conflicting classifications (1 of 4 stars). 4 submissions from 4 submitters: Uncertain significance (1); Benign (1); Likely benign (1). 1 of the submissions does not count toward it. Last evaluated 2025-03-18.

Conditions:
WNT7A-related disorder. Also called: WNT7A-related condition.

Allele frequency attached by ClinVar (database versions not stated): gnomAD exomes 0.00050; ExAC 0.00059; 1000 Genomes Project 0.00080; 1000 Genomes Project 30x 0.00109; gnomAD 0.00159 and 0.00170; TOPMed 0.00178; ESP Exome Variant Server 0.00192.
gnomAD v4.1: 635 of 1,614,136 alleles (0.039%); highest among the groups gnomAD compares: African/African-American, 0.52%; 2 homozygotes.

Submissions (4):

Labcorp Genetics (formerly Invitae), Labcorp
Classification: Benign. Last evaluated: 2025-03-18. Review status: criteria provided, single submitter. Criteria: Invitae Variant Classification Sherloc (09022015). Collection method: clinical testing. Allele origin: germline.

Blueprint Genetics
Classification: Likely benign. Last evaluated: 2024-11-14. Review status: criteria provided, single submitter. Criteria: ACMG Guidelines, 2015. Collection method: clinical testing. Allele origin: germline.

Eurofins Ntd Llc (ga)
Classification: Uncertain significance. Last evaluated: 2017-03-07. Review status: criteria provided, single submitter. Criteria: EGL Classification Definitions 2015. Collection method: clinical testing. Allele origin: germline. Observed: 1 variant allele, 1 heterozygote.

PreventionGenetics, part of Exact Sciences
Classification: Likely benign for WNT7A-related condition. Last evaluated: 2019-10-11. Review status: no assertion criteria provided. Collection method: clinical testing. Allele origin: germline. Not counted in ClinVar's aggregate classification.
Comment: This variant is classified as likely benign based on ACMG/AMP sequence variant interpretation guidelines (Richards et al. 2015 PMID: 25741868, with internal and published modifications).

NM_004625.4(WNT7A):c.555C>T (p.Asn185=)

Genes: WNT7A (Wnt family member 7A; minus strand), LOC126806608 (P300/CBP strongly-dependent group 1 enhancer GRCh37_chr3:13895244-13896443; plus strand). Cytogenetic location: 3p25.1.
Variant type: single nucleotide variant.
Coding change: c.555C>T on transcript NM_004625.4 (MANE Select); coding-DNA position 555, C replaced by T.
Protein change: p.Asn185=; no amino-acid change (asparagine 185 retained).
Molecular consequence: synonymous variant.
Genome position (GRCh38, 1-based): chr3:13,854,547, G>A on the plus strand (C>T on the coding strand, the complement: WNT7A is on the minus strand). VCF-style: chr3-13854547-G-A. GRCh37 (hg19) VCF-style: chr3-13896044-G-A.
Identifiers: ClinVar variation 500584 (VCV000500584.18), dbSNP rs149363953, ClinGen allele CA2266417.